The following is an entry in ClinVar:

ClinVar aggregate classification (germline): Pathogenic (1 of 4 stars; one submission).

Submission:

GeneDx
Classification: Pathogenic. Last evaluated: 2017-06-22. Review status: criteria provided, single submitter. Criteria: GeneDx Variant Classification (06012015). Collection method: clinical testing. Allele origin: germline. Affected: yes.
Comment: The c.531-2 A>G splice site variant in the DMD gene destroys the canonical splice acceptor site for intron 6. It is predicted to cause abnormal gene splicing, either leading to an abnormal message that is subject to nonsense-mediated mRNA decay, or to an abnormal protein product if the message is used for protein translation. The c.531-2 A>G variant is not observed in large population cohorts (Lek et al., 2016; 1000 Genomes Consortium et al., 2015; Exome Variant Server). Although this splice site variant has not been previously reported to our knowledge, other splice site variants in the DMD gene have been reported in the Human Gene Mutation Database in association with dystrophinopathies. Therefore, we interpret c.531-2 A>G as a pathogenic variant.

NM_004006.3(DMD):c.531-2A>G

Gene: DMD (dystrophin; minus strand). Cytogenetic location: Xp21.1.
Variant type: single nucleotide variant.
Coding change: c.531-2A>G on transcript NM_004006.3 (MANE Select); the canonical splice acceptor site of the intron before coding-DNA position 531, A replaced by G.
Molecular consequence: splice acceptor variant.
Genome position (GRCh38, 1-based): chrX:32,809,613, T>C on the plus strand (A>G on the coding strand, the complement: DMD is on the minus strand). VCF-style: chrX-32809613-T-C. GRCh37 (hg19) VCF-style: chrX-32827730-T-C.
Other names: c.507-2A>G (NM_000109.4); c.519-2A>G (NM_004009.3); c.162-2A>G (NM_004010.3).
Identifiers: ClinVar variation 449832 (VCV000449832.4), dbSNP rs398123985, ClinGen allele CA412674013.